The following is an entry in ClinVar:

ClinVar aggregate classification (germline): Benign/Likely benign (0 of 4 stars; one submission).

Submission:

ISCA site 4
Classification: Benign/Likely benign. Last evaluated: 2012-09-21. Review status: no assertion criteria provided. Collection method: clinical testing. Allele origin: unknown. Affected: yes. Observed: 15 variant alleles. Clinical features observed: Genu recurvatum (HP:0002816), Abnormality of the head (HP:0000234), Abnormality of vision (HP:0000504), Short stature (HP:0004322), Developmental delay AND/OR other significant developmental or morphological phenotypes, Hydrocephalus (HP:0000238), Muscular hypotonia (HP:0001252), Congenital cataract (HP:0000519), Cystinuria (HP:0003131), Fusion of the cerebellar hemispheres (HP:0006899), Abnormality of the salivary glands (HP:0010286), Global developmental delay (HP:0001263), and 3 more.
Comment: Likely benign (14), Benign (1)

Copy number variation identified through the course of routine clinical cytogenomic testing in postnatal populations, with clinical assertions as classified by the original submitter.

GRCh38/hg38 15q15.3(chr15:43624777-43659119)x1

Genes: CATSPER2 (cation channel sperm associated 2; minus strand), LOC130056948 (ATAC-STARR-seq lymphoblastoid active region 9316; plus strand), LOC130056949 (ATAC-STARR-seq lymphoblastoid active region 9317; plus strand). Cytogenetic location: 15q15.3.
Variant type: copy number loss.
Change: copy number 1 (one copy instead of two) of chr15:43,624,777-43,659,119 (34.3 kb, GRCh38 coordinates, 1-based), cytogenetic band 15q15.3.
Identifiers: ClinVar variation 149380 (VCV000149380.2).